The following is an entry in ClinVar:

ClinVar aggregate classification (germline): Pathogenic (1 of 4 stars; one submission).

Conditions:
Nijmegen breakage syndrome-like disorder (NBSLD). Also called: MICROCEPHALY AND SPONTANEOUS CHROMOSOME INSTABILITY WITHOUT IMMUNODEFICIENCY; NBS-LIKE DISORDER; RAD50 DEFICIENCY. Identifiers: Orphanet 240760, MedGen C2751318, MONDO:0013118, OMIM 613078.

Submission:

Women's Health and Genetics/Laboratory Corporation of America, LabCorp
Classification: Pathogenic for Nijmegen breakage syndrome-like disorder. Last evaluated: 2026-04-28. Review status: criteria provided, single submitter. Criteria: LabCorp Variant Classification Summary - May 2015. Collection method: clinical testing. Allele origin: germline.
Comment: Variant summary: RAD50 c.2078_2079delAG (p.Glu693ValfsX7) results in a premature termination codon, predicted to cause a truncation of the encoded protein or absence of the protein due to nonsense mediated decay, which are commonly known mechanisms for disease. The variant was absent in 251310 control chromosomes. To our knowledge, no occurrence of c.2078_2079delAG in individuals affected with RAD50-related conditions and no experimental evidence demonstrating its impact on protein function have been reported. No submitters have cited clinical-significance assessments for this variant to ClinVar. Based on the evidence outlined above, the variant was classified as pathogenic.

NM_005732.4(RAD50):c.2078_2079del (p.Glu693fs)

Gene: RAD50 (RAD50 double strand break repair protein; plus strand). Cytogenetic location: 5q31.1.
Variant type: Deletion.
Coding change: c.2078_2079del on transcript NM_005732.4 (MANE Select); coding-DNA positions 2078 to 2079, 2 bases deleted (AG; older notation c.2078_2079delAG).
Protein change: p.Glu693fs; shifts the reading frame from glutamic acid 693.
Molecular consequence: frameshift variant.
Genome position (GRCh38, 1-based): chr5:132,595,681-132,595,682, AG deleted; deleting any 2 consecutive bases within chr5:132,595,680-132,595,682 gives the same sequence; the c. name uses the placement nearest the transcript's 3' end. VCF-style (leftmost placement, unchanged base first): chr5-132595679-TGA-T. GRCh37 (hg19) VCF-style: chr5-131931371-TGA-T.
Other names: c.2078_2079delAG (NM_005732.4); short protein forms E693fs.
Identifiers: ClinVar variation 4848856 (VCV004848856.1).